The following is an entry in ClinVar:

ClinVar aggregate classification (germline): Uncertain significance. Review status: reviewed by expert panel (3 of 4 stars). 7 submissions from 7 submitters: Uncertain significance (1). 6 of the submissions do not count toward it. Last evaluated 2019-09-24.

Conditions:
Cardiovascular phenotype. Identifiers: MedGen CN230736.
RASopathy. Also called: rasopathies; Noonan spectrum disorder. Identifiers: Orphanet 536391, MedGen C5555857, MONDO:0021060.
Noonan syndrome 5 (NS5). Also called: RAF1-Related Noonan Syndrome. Identifiers: Orphanet 648, MedGen C1969057, MONDO:0012690, OMIM 611553. Disease mechanism: gain of function.

Allele frequency attached by ClinVar (database versions not stated): gnomAD exomes 0.00001 and 0.00006; gnomAD 0.00001 and 0.00005; ExAC 0.00007; 1000 Genomes Project 30x 0.00047; 1000 Genomes Project 0.00060; TOPMed 0.00001.
gnomAD v4.1: 32 of 1,614,086 alleles (0.002%); highest among the groups gnomAD compares: South Asian, 0.018%; no homozygotes.

Submissions (7):

ClinGen RASopathy Variant Curation Expert Panel
Classification: Uncertain significance for RASopathy. Last evaluated: 2019-09-24. Review status: reviewed by expert panel. Criteria: ClinGen RASopathy ACMG Specifications v1. Collection method: curation. Allele origin: germline. Inheritance: Autosomal dominant inheritance.
Comment: The c.835G>A (p.Asp279Asn) variant in RAF1 has been identified in 0.01786% (lower bound of the 95% CI of 7/18394) of East Asian chromosomes in gnomAD (BS1 not met). Computational prediction tools and conservation analyses do not provide strong support for or against an impact to the protein. This variant has been observed in several individuals with varying clinical presentations that lack clear associations with a RASopathy. It was also seen in 13 individuals clinically unaffected with a RASopathy (BS2; GeneDx internal data). In summary, the clinical significance of this variant is uncertain. ACMG/AMP Criteria applied: BS2.

Women's Health and Genetics/Laboratory Corporation of America, LabCorp
Classification: Likely benign. Last evaluated: 2026-06-16. Review status: criteria provided, single submitter. Criteria: LabCorp Variant Classification Summary - May 2015. Collection method: clinical testing. Allele origin: germline. Not counted in ClinVar's aggregate classification.
Comment: Variant summary: RAF1 c.835G>A (p.Asp279Asn) results in a conservative amino acid change in the encoded protein sequence. Algorithms developed to predict the effect of missense changes on protein structure and function are either unavailable or do not agree on the potential impact of this missense change. Consensus agreement among computational tools predicts no significant impact on normal splicing. However, these predictions have yet to be confirmed by functional studies. The variant allele was found at a frequency of 6e-05 in 251426 control chromosomes. The observed variant frequency exceeds the estimated maximal expected allele frequency for disease-causing variants in RAF1. c.835G>A has been observed in at least one individual(s) with a limited clinical diagnosis of RAF1-related conditions (Sierant_2025). This report does not provide unequivocal conclusions regarding the association between the variant and disease. To our knowledge, no experimental evidence demonstrating an impact on protein function has been reported. The following publication has been ascertained in the context of this evaluation (PMID: 40127276). ClinVar contains an entry for this variant (Variation ID: 181510). Based on the evidence outlined above, the variant was classified as likely benign.

Prenatal Diagnosis Unit, University Medical Center at Ho Chi Minh City, University of Medicine and Pharmacy at Ho Chi Minh City
Classification: Likely benign for Noonan syndrome 5. Last evaluated: 2026-01-10. Review status: criteria provided, single submitter. Criteria: ACMG Guidelines, 2015. Collection method: provider interpretation. Allele origin: unknown. Inheritance: Autosomal dominant inheritance. Affected: no. Observed: 1 variant allele. Not counted in ClinVar's aggregate classification.
Comment: This missense change has been observed in several unaffected adults (GeneDx internal data) and no occurrence of c.835G>A in individuals affected with Noonan Syndrome and related conditions. The variant in RAF1 has been identified in 0.01786% population (gnomAD). Most in silico algorithms suggests this variant has little impact on gene product. Conservation score on PhyloP100way is 3.464. 04 submission in clivar dataset as likely benign variant. In conclusion, this variant is classified as a likely benign variant according to the ACMG/AMP 2015 guidelines, based on criteria BS2, BP4, BP6.

Labcorp Genetics (formerly Invitae), Labcorp
Classification: Uncertain significance for RASopathy. Last evaluated: 2026-01-06. Review status: criteria provided, single submitter. Criteria: Invitae Variant Classification Sherloc (09022015). Collection method: clinical testing. Allele origin: germline. Not counted in ClinVar's aggregate classification.
Comment: This sequence change replaces aspartic acid, which is acidic and polar, with asparagine, which is neutral and polar, at codon 279 of the RAF1 protein (p.Asp279Asn). This variant is present in population databases (rs368796800, gnomAD 0.03%). This variant has not been reported in the literature in individuals affected with RAF1-related conditions. ClinVar contains an entry for this variant (Variation ID: 181510). An algorithm developed to predict the effect of missense changes on protein structure and function (PolyPhen-2) suggests that this variant is likely to be tolerated. In summary, the available evidence is currently insufficient to determine the role of this variant in disease. Therefore, it has been classified as a Variant of Uncertain Significance.

Genomic Medicine Center of Excellence, King Faisal Specialist Hospital and Research Centre
Classification: Uncertain significance for Noonan syndrome 5. Last evaluated: 2025-09-10. Review status: criteria provided, single submitter. Criteria: ACMG Guidelines, 2015. Collection method: clinical testing. Allele origin: germline. Not counted in ClinVar's aggregate classification.

Ambry Genetics
Classification: Uncertain significance for Cardiovascular phenotype. Last evaluated: 2025-09-04. Review status: criteria provided, single submitter. Criteria: Ambry Variant Classification Scheme 2023. Collection method: clinical testing. Allele origin: germline. Not counted in ClinVar's aggregate classification.
Comment: The p.D279N variant (also known as c.835G>A), located in coding exon 7 of the RAF1 gene, results from a G to A substitution at nucleotide position 835. This variant impacts the first base pair of coding exon 7. The aspartic acid at codon 279 is replaced by asparagine, an amino acid with highly similar properties. This amino acid position is well conserved in available vertebrate species. In addition, this alteration is predicted to be tolerated by in silico analysis. Since supporting evidence is limited at this time, the clinical significance of this alteration remains unclear.

GeneDx
Classification: Likely benign. Last evaluated: 2018-07-09. Review status: criteria provided, single submitter. Criteria: GeneDx Variant Classification Process June 2021. Collection method: clinical testing. Allele origin: germline. Affected: yes. Not counted in ClinVar's aggregate classification.

Literature cited by the submitters: PubMed 40127276 (cited by Women's Health and Genetics/Laboratory Corporation of America, LabCorp).

NM_002880.4(RAF1):c.835G>A (p.Asp279Asn)

Gene: RAF1 (Raf-1 proto-oncogene, serine/threonine kinase; minus strand). Cytogenetic location: 3p25.2.
Variant type: single nucleotide variant.
Coding change: c.835G>A on transcript NM_002880.4 (MANE Select); coding-DNA position 835, G replaced by A.
Protein change: p.Asp279Asn; replaces aspartic acid 279 with asparagine.
Molecular consequence: missense variant. On other transcripts: non-coding transcript variant (3).
Genome position (GRCh38, 1-based): chr3:12,600,415, C>T on the plus strand (G>A on the coding strand, the complement: RAF1 is on the minus strand). VCF-style: chr3-12600415-C-T. GRCh37 (hg19) VCF-style: chr3-12641914-C-T.
Other names: p.D279N:GAT>AAT; c.895G>A, p.Asp299Asn (NM_001354689.3); c.835G>A, p.Asp279Asn (NM_001354690.3); c.592G>A, p.Asp198Asn (NM_001354691.3, NM_001354692.3); c.736G>A, p.Asp246Asn (NM_001354693.3); c.652G>A, p.Asp218Asn (NM_001354694.3); c.493G>A, p.Asp165Asn (NM_001354695.3); c.835G>A (NM_002880.3); short protein forms D279N, D198N, D218N, D246N, D165N, D299N.
Identifiers: ClinVar variation 181510 (VCV000181510.20), dbSNP rs368796800, ClinGen allele CA297121.